The following is an entry in ClinVar:

NM_000038.6(APC):c.645+2924C>A

Gene: APC (APC regulator of WNT signaling pathway; plus strand). Cytogenetic location: 5q22.2.
Variant type: single nucleotide variant.
Coding change: c.645+2924C>A on transcript NM_000038.6 (MANE Select); 2924 bases into the intron after coding-DNA position 645, C replaced by A.
Molecular consequence: intron variant.
Genome position (GRCh38, 1-based): chr5:112,783,827, C>A. VCF-style: chr5-112783827-C-A. GRCh37 (hg19) VCF-style: chr5-112119524-C-A.
Other names: c.645+2924C>A (NM_001354895.2, NM_001127510.3, NM_001354896.2 and 2 more transcripts); c.675+2924C>A (NM_001354897.2, NM_001354902.2, NM_001127511.3); c.570+2924C>A (NM_001354898.2, NM_001354904.2); c.-391+2924C>A (NM_001354906.2); c.468+2924C>A (NM_001354900.2, NM_001354901.2, NM_001354905.2).
Identifiers: ClinVar variation 82956 (VCV000082956.2), dbSNP rs77714804, ClinGen allele CA011347.
Genomic context (GRCh38, chr5:112,783,827, plus strand): 5'-AAAAAAAAAAAAAAAAAAGAGAAAGAAAGGAAAGAAAAGAAAAGAAAGAAAACAGATAAC[C>A]AAATAGCAAAATAGTCAGAAGATGTGAATAGTTCCATCAGAAAATTAAGTTCAAGTGTCT-3'

ClinVar aggregate classification (germline): other (0 of 4 stars; one submission).

Conditions:
Familial colorectal cancer. Identifiers: MedGen CN280943, MONDO:0023113. Disease mechanism: loss of function.

Submission:

Systems Biology Platform Zhejiang California International NanoSystems Institute
Classification: other for Familial colorectal cancer. Review status: no assertion criteria provided. Collection method: not provided. Allele origin: unknown.
ClinVar note: Converted during submission from cancer to other.